The following is an entry in ClinVar:

ClinVar aggregate classification (germline): Likely benign (0 of 4 stars; one submission).

Conditions:
SAGE1-related disorder. Also called: SAGE1-related condition.

Allele frequency attached by ClinVar (database versions not stated): TOPMed 0.00014; ESP Exome Variant Server 0.00019; ExAC 0.00024; gnomAD 0.00024; gnomAD exomes 0.00069.
gnomAD v4.1: 757 of 1,206,534 alleles (0.063%); highest among the groups gnomAD compares: Non-Finnish European, 0.083%; 1 homozygote.

Submission:

PreventionGenetics, part of Exact Sciences
Classification: Likely benign for SAGE1-related condition. Last evaluated: 2023-02-26. Review status: no assertion criteria provided. Collection method: clinical testing. Allele origin: germline.
Comment: This variant is classified as likely benign based on ACMG/AMP sequence variant interpretation guidelines (Richards et al. 2015 PMID: 25741868, with internal and published modifications).

NM_001381902.1(SAGE1):c.960A>G (p.Gln320=)

Gene: SAGE1 (sarcoma antigen 1; plus strand). Cytogenetic location: Xq26.3.
Variant type: single nucleotide variant.
Coding change: c.960A>G on transcript NM_001381902.1 (MANE Select); coding-DNA position 960, A replaced by G.
Protein change: p.Gln320=; no amino-acid change (glutamine 320 retained).
Molecular consequence: synonymous variant.
Genome position (GRCh38, 1-based): chrX:135,907,395, A>G. VCF-style: chrX-135907395-A-G. GRCh37 (hg19) VCF-style: chrX-134989554-A-G.
Other names: c.960A>G, p.Gln320= (NM_018666.3).
Identifiers: ClinVar variation 3052074 (VCV003052074.2), dbSNP rs201511584, ClinGen allele CA10524057.